The following is an entry in ClinVar:

NM_000462.3(UBE3A):c.2365delG

Genes: SNHG14 (small nucleolar RNA host gene 14; plus strand), UBE3A (ubiquitin protein ligase E3A; minus strand). Cytogenetic location: 15q11.2.
Variant type: Deletion.
Coding change: c.2365delG on transcript NM_000462.3; coding-DNA position 2365, one base deleted (G).
Genome position (GRCh38, 1-based): chr15:25,340,227, C deleted on the plus strand (G on the coding strand, the reverse complement: UBE3A is on the minus strand); the first of 3 consecutive C bases (chr15:25,340,227-25,340,229); deleting any one gives the same sequence. VCF-style (leftmost placement, unchanged base first): chr15-25340226-TC-T. GRCh37 (hg19) VCF-style: chr15-25585373-TC-T.
Identifiers: ClinVar variation 995996 (VCV000995996.4), dbSNP rs2074511604, ClinGen allele CA1139667031.
Genomic context (GRCh38, chr15:25,340,226, plus strand): 5'-GTAAACTGCAAGAAGAGTCTTTTCTGTTCATCTGTAAATGAATGAACGATTTCCCAGAAC[TC>T]CCTAATGAGAAAAAATACAATACTGGTTTCAGTTTGGCATTCATTATGACTGGTACTAAC-3'

ClinVar aggregate classification (germline): Pathogenic (1 of 4 stars; one submission).

Conditions:
Angelman syndrome (AS). Also called: HAPPY PUPPET SYNDROME. Identifiers: Orphanet 72, MedGen C0162635, MONDO:0007113, OMIM 105830. Disease mechanism: loss of function. Inheritance: AS is caused by disruption of maternally imprinted UBE3A located within the 15q11.2-q13 Angelman syndrome/Prader-Willi syndrome (AS/PWS) region., imprinting disorder.

Submission:

Pediatrics, MediClubGeorgia
Classification: Pathogenic for Angelman syndrome. Last evaluated: 2020-12-01. Review status: criteria provided, single submitter. Criteria: ACMG Guidelines, 2015. Collection method: clinical testing. Allele origin: inherited. Inheritance: Autosomal dominant inheritance. Affected: yes. Observed: 4 variant alleles. Clinical features observed: Abnormality of the face (HP:0000271), Severe intellectual disability (HP:0010864), Seizure (HP:0001250), Ataxia (HP:0001251), Absent speech (HP:0001344), Intellectual disability (HP:0006887), Atypical behavior (HP:0000708), Microcephaly (HP:0000252), Inappropriate laughter (HP:0000748), Cessation of head growth (HP:0004485), Drooling (HP:0002307), Circadian rhythm sleep disorder (HP:0006979), and 3 more.
Comment: UBE3A frameshift variant caused by the deletion of G at the position c.2365 in exon 3 (NM_000462.3), that creates a premature stop codon leading probably to a truncated protein (p.Glu798Serfs*32). This variant was inherited from the different asymptomatic mothers . Variants were annotated by Variant Effect Predictor and filtered according to the following criteria: 1) nonsynonymous SNV or indel located in exonic or splicing regions; 2) absent from controls or allele frequencyâ€‰& <â€‰0.01 and no homozygotes or homozygous if recessive in Exome Sequencing Project, 1000 Genomes Project (1000G), Exome Aggregation Consortium (ExAC) or Genome Aggregation Database (gnomAD); 3) predicted to be damaging by at least four of the following six softwares: SIFT, Polyphen-2, Mutationtaster, and CADD.